The following is an entry in ClinVar:

NM_015629.4(PRPF31):c.745A>G (p.Ile249Val)

Gene: PRPF31 (pre-mRNA processing factor 31; plus strand). Cytogenetic location: 19q13.42.
Variant type: single nucleotide variant.
Coding change: c.745A>G on transcript NM_015629.4 (MANE Select); coding-DNA position 745, A replaced by G.
Protein change: p.Ile249Val; replaces isoleucine 249 with valine.
Molecular consequence: missense variant.
Genome position (GRCh38, 1-based): chr19:54,124,546, A>G. VCF-style: chr19-54124546-A-G. GRCh37 (hg19) VCF-style: chr19-54627925-A-G.
Other names: c.745A>G (NM_015629.3); short protein forms I249V.
Identifiers: ClinVar variation 3697361 (VCV003697361.4).

ClinVar aggregate classification (germline): Uncertain significance. Review status: criteria provided, multiple submitters, no conflicts (2 of 4 stars). 3 submissions from 3 submitters: Uncertain significance (3). Last evaluated 2025-10-18.

Conditions:
Inborn genetic diseases. Identifiers: MedGen C0950123, MeSH D030342.

gnomAD v4.1: 5 of 1,611,646 alleles (0.00031%); highest among the groups gnomAD compares: Non-Finnish European, 0.00042%; no homozygotes.

Submissions (3):

Ambry Genetics
Classification: Uncertain significance for Inborn genetic diseases. Last evaluated: 2025-10-18. Review status: criteria provided, single submitter. Criteria: Ambry Variant Classification Scheme 2023. Collection method: clinical testing. Allele origin: germline.

Labcorp Genetics (formerly Invitae), Labcorp
Classification: Uncertain significance. Last evaluated: 2024-08-31. Review status: criteria provided, single submitter. Criteria: Invitae Variant Classification Sherloc (09022015). Collection method: clinical testing. Allele origin: germline.
Comment: This sequence change replaces isoleucine, which is neutral and non-polar, with valine, which is neutral and non-polar, at codon 249 of the PRPF31 protein (p.Ile249Val). This variant is present in population databases (no rsID available, gnomAD 0.0009%). This variant has not been reported in the literature in individuals affected with PRPF31-related conditions. An algorithm developed to predict the effect of missense changes on protein structure and function (PolyPhen-2) suggests that this variant is likely to be tolerated. In summary, the available evidence is currently insufficient to determine the role of this variant in disease. Therefore, it has been classified as a Variant of Uncertain Significance.

Blueprint Genetics
Classification: Uncertain significance. Last evaluated: 2020-02-27. Review status: criteria provided, single submitter. Criteria: ACMG Guidelines, 2015. Collection method: clinical testing. Allele origin: germline.